The following is an entry in ClinVar:

NM_004035.7(ACOX1):c.1729-2A>G

Gene: ACOX1 (acyl-CoA oxidase 1; minus strand). Cytogenetic location: 17q25.1.
Variant type: single nucleotide variant.
Coding change: c.1729-2A>G on transcript NM_004035.7 (MANE Select); the canonical splice acceptor site of the intron before coding-DNA position 1729, A replaced by G.
Molecular consequence: splice acceptor variant.
Genome position (GRCh38, 1-based): chr17:75,948,459, T>C on the plus strand (A>G on the coding strand, the complement: ACOX1 is on the minus strand). VCF-style: chr17-75948459-T-C. GRCh37 (hg19) VCF-style: chr17-73944540-T-C.
Other names: c.1729-2A>G (NM_007292.6); c.1615-2A>G (NM_001185039.2).
Identifiers: ClinVar variation 2040361 (VCV002040361.4), dbSNP rs2065742650, ClinGen allele CA401059645.

ClinVar aggregate classification (germline): Likely pathogenic (1 of 4 stars; one submission).

Conditions:
Acyl-CoA oxidase deficiency. Also called: Peroxisomal acyl-CoA oxidase deficiency; Pseudoneonatal adrenoleukodystrophy; STRAIGHT-CHAIN ACYL-CoA OXIDASE DEFICIENCY. Identifiers: Orphanet 2971, MedGen C1849678, MONDO:0009919, OMIM 264470. Disease mechanism: loss of function.

Submission:

Labcorp Genetics (formerly Invitae), Labcorp
Classification: Likely pathogenic for Acyl-CoA oxidase deficiency. Last evaluated: 2025-05-05. Review status: criteria provided, single submitter. Criteria: Invitae Variant Classification Sherloc (09022015). Collection method: clinical testing. Allele origin: germline.
Comment: This sequence change affects an acceptor splice site in intron 12 of the ACOX1 gene. It is expected to disrupt RNA splicing. Variants that disrupt the donor or acceptor splice site typically lead to a loss of protein function (PMID: 16199547), and loss-of-function variants in ACOX1 are known to be pathogenic (PMID: 8040306, 17458872). This variant is not present in population databases (gnomAD no frequency). This variant has not been reported in the literature in individuals affected with ACOX1-related conditions. ClinVar contains an entry for this variant (Variation ID: 2040361). Algorithms developed to predict the effect of sequence changes on RNA splicing suggest that this variant may disrupt the consensus splice site. In summary, the currently available evidence indicates that the variant is pathogenic, but additional data are needed to prove that conclusively. Therefore, this variant has been classified as Likely Pathogenic.

Literature cited by the submitters: PubMed 16199547; PubMed 8040306; PubMed 17458872.